The following is an entry in ClinVar:

ClinVar aggregate classification (germline): Uncertain significance (1 of 4 stars; one submission).

Conditions:
Pure or complex autosomal recessive spastic paraplegia. Identifiers: Orphanet 320346, MedGen C5679887, MONDO:0017915.

Allele frequency attached by ClinVar (database versions not stated): gnomAD exomes below 0.00001; ExAC 0.00001; gnomAD 0.00002; TOPMed 0.00004.
gnomAD v4.1: 9 of 1,613,804 alleles (0.00056%); highest among the groups gnomAD compares: African/African-American, 0.0013%; no homozygotes.

Submission:

Labcorp Genetics (formerly Invitae), Labcorp
Classification: Uncertain significance for Pure or complex autosomal recessive spastic paraplegia. Last evaluated: 2023-03-08. Review status: criteria provided, single submitter. Criteria: Invitae Variant Classification Sherloc (09022015). Collection method: clinical testing. Allele origin: germline.
Comment: This sequence change replaces phenylalanine, which is neutral and non-polar, with serine, which is neutral and polar, at codon 314 of the ZFR protein (p.Phe314Ser). In summary, the available evidence is currently insufficient to determine the role of this variant in disease. Therefore, it has been classified as a Variant of Uncertain Significance. Experimental studies and prediction algorithms are not available or were not evaluated, and the functional significance of this variant is currently unknown. ClinVar contains an entry for this variant (Variation ID: 2185700). This variant has not been reported in the literature in individuals affected with ZFR-related conditions. This variant is present in population databases (rs758736036, gnomAD 0.004%).

NM_016107.5(ZFR):c.941T>C (p.Phe314Ser)

Gene: ZFR (zinc finger RNA binding protein; minus strand). Cytogenetic location: 5p13.3.
Variant type: single nucleotide variant.
Coding change: c.941T>C on transcript NM_016107.5 (MANE Select); coding-DNA position 941, T replaced by C.
Protein change: p.Phe314Ser; replaces phenylalanine 314 with serine.
Molecular consequence: missense variant. On other transcripts: non-coding transcript variant (1).
Genome position (GRCh38, 1-based): chr5:32,406,865, A>G on the plus strand (T>C on the coding strand, the complement: ZFR is on the minus strand). VCF-style: chr5-32406865-A-G. GRCh37 (hg19) VCF-style: chr5-32406970-A-G.
Other names: short protein forms F314S.
Identifiers: ClinVar variation 2185700 (VCV002185700.4), dbSNP rs758736036, ClinGen allele CA3221949.
Genomic context (GRCh38, chr5:32,406,865, plus strand): 5'-TCACAATAGTGAATCTGTGGTGGTTTGGGAGGCTGTTTTGGTTTCAGTTGTTTATTTTGG[A>G]ATGGTGCTTTTTTAGTAAAGGTGGTCCCTGTCCAGGCAGCTGTTGCAGCAGCAGCAGCAG-3'
Protein context (NP_057191.2, residues 304-324): TGTTFTKKAP[Phe314Ser]QNKQLKPKQP